The following is an entry in ClinVar:

NM_003611.3(OFD1):c.28G>T (p.Val10Leu)

Genes: OFD1 (OFD1 centriole and centriolar satellite protein; plus strand), LOC126863212 (CDK7 strongly-dependent group 2 enhancer GRCh37_chrX:13752241-13753440; plus strand). Cytogenetic location: Xp22.2.
Variant type: single nucleotide variant.
Coding change: c.28G>T on transcript NM_003611.3 (MANE Select); coding-DNA position 28, G replaced by T.
Protein change: p.Val10Leu; replaces valine 10 with leucine.
Molecular consequence: missense variant. On other transcripts: 5 prime UTR variant (1).
Genome position (GRCh38, 1-based): chrX:13,735,263, G>T. VCF-style: chrX-13735263-G-T. GRCh37 (hg19) VCF-style: chrX-13753382-G-T.
Other names: c.28G>T, p.Val10Leu (NM_001330209.2); c.-518G>T (NM_001330210.2); short protein forms V10L.
Identifiers: ClinVar variation 2104704 (VCV002104704.4), dbSNP rs2518742965, ClinGen allele CA412331291.

ClinVar aggregate classification (germline): Uncertain significance (1 of 4 stars; one submission).

Conditions:
Joubert syndrome. Also called: CEREBELLOPARENCHYMAL DISORDER IV; JOUBERT-BOLTSHAUSER SYNDROME; Familial aplasia of the vermis. Identifiers: Orphanet 475, MedGen C5979921, MONDO:0018772.
Orofaciodigital syndrome I (OFD1). Also called: OFDS I; Papillon-Leage and Psaume Syndrome; Oral-Facial-Digital Syndrome Type I. Identifiers: Orphanet 2750, MedGen C1510460, MONDO:0010702, OMIM 311200.

Submission:

Labcorp Genetics (formerly Invitae), Labcorp
Classification: Uncertain significance for Orofaciodigital syndrome I; Joubert syndrome. Last evaluated: 2025-04-21. Review status: criteria provided, single submitter. Criteria: Invitae Variant Classification Sherloc (09022015). Collection method: clinical testing. Allele origin: germline.
Comment: This sequence change replaces valine, which is neutral and non-polar, with leucine, which is neutral and non-polar, at codon 10 of the OFD1 protein (p.Val10Leu). This variant is not present in population databases (gnomAD no frequency). This variant has not been reported in the literature in individuals affected with OFD1-related conditions. ClinVar contains an entry for this variant (Variation ID: 2104704). Invitae Evidence Modeling of protein sequence and biophysical properties (such as structural, functional, and spatial information, amino acid conservation, physicochemical variation, residue mobility, and thermodynamic stability) indicates that this missense variant is not expected to disrupt OFD1 protein function with a negative predictive value of 80%. In summary, the available evidence is currently insufficient to determine the role of this variant in disease. Therefore, it has been classified as a Variant of Uncertain Significance.